The following is an entry in ClinVar:

ClinVar aggregate classification (germline): Pathogenic (1 of 4 stars; one submission).

Conditions:
Breast-ovarian cancer, familial, susceptibility to, 2 (BROVCA2). Also called: BRCA2 Hereditary Breast and Ovarian Cancer. Identifiers: Orphanet 145, MedGen C2675520, MONDO:0012933, OMIM 612555. Disease mechanism: loss of function.

Submission:

Myriad Genetics, Inc.
Classification: Pathogenic for Breast-ovarian cancer, familial, susceptibility to, 2. Last evaluated: 2023-07-07. Review status: criteria provided, single submitter. Criteria: Myriad Autosomal Dominant, Autosomal Recessive and X-Linked Classification Criteria (2023). Collection method: clinical testing. Allele origin: unknown.
Comment: This variant is considered pathogenic. This variant creates a termination codon and is predicted to result in premature protein truncation.

NM_000059.4(BRCA2):c.483T>A (p.Cys161Ter)

Gene: BRCA2 (BRCA2 DNA repair associated; plus strand). Cytogenetic location: 13q13.1.
Variant type: single nucleotide variant.
Coding change: c.483T>A on transcript NM_000059.4 (MANE Select); coding-DNA position 483, T replaced by A.
Protein change: p.Cys161Ter; replaces cysteine 161 with a stop codon.
Molecular consequence: nonsense. On other transcripts: non-coding transcript variant (1).
Genome position (GRCh38, 1-based): chr13:32,326,249, T>A. VCF-style: chr13-32326249-T-A. GRCh37 (hg19) VCF-style: chr13-32900386-T-A.
Other names: c.114T>A, p.Cys38Ter (NM_001406722.1); c.483T>A, p.Cys161Ter (NM_001406719.1, NM_001406720.1, NM_001406721.1); short protein forms C161*, C38*.
Identifiers: ClinVar variation 2674475 (VCV002674475.1), dbSNP rs397507745, ClinGen allele CA387757630.
Genomic context (GRCh38, chr13:32,326,249, plus strand): 5'-AGAAATGTTAATAAAAATAAAACTTAACAATTTTCCCCTTTTTTTACCCCCAGTGGTATG[T>A]GGGAGTTTGTTTCATACACCAAAGTTTGTGAAGGTAAATATTCTACCTGGTTTATTTTTA-3'